The following is an entry in ClinVar:

ClinVar aggregate classification (germline): Benign. Review status: criteria provided, multiple submitters, no conflicts (2 of 4 stars). 3 submissions from 3 submitters: Benign (3). Last evaluated 2026-09-21.

Allele frequency attached by ClinVar (database versions not stated): gnomAD 0.94808 and 0.94744; gnomAD exomes 0.96194; 1000 Genomes Project 30x 0.91974; ESP Exome Variant Server 0.95102; 1000 Genomes Project 0.91993; TOPMed 0.94008; ExAC 0.96077.
gnomAD v4.1: 1,577,135 of 1,612,866 alleles (98%); highest among the groups gnomAD compares: Non-Finnish European, 99%; 772,111 homozygotes.

Submissions (3):

Molecular Diagnostic Laboratory for Inherited Cardiovascular Disease, Montreal Heart Institute
Classification: Benign. Last evaluated: 2026-09-21. Review status: criteria provided, single submitter. Criteria: ACMG Guidelines, 2015. Collection method: clinical testing. Allele origin: germline. Affected: no.
Comment: BA1

GeneDx
Classification: Benign. Last evaluated: 2018-06-26. Review status: criteria provided, single submitter. Criteria: GeneDx Variant Classification Process June 2021. Collection method: clinical testing. Allele origin: germline. Affected: yes.

Breakthrough Genomics
Classification: Benign. Review status: criteria provided, single submitter. Criteria: ACMG Guidelines, 2015. Collection method: not provided. Allele origin: germline. Inheritance: Autosomal recessive inheritance. Affected: yes.

NM_001267550.2(TTN):c.3964-41T>C

Genes: TTN (titin; minus strand), LOC101927055 (uncharacterized LOC101927055; plus strand). Cytogenetic location: 2q31.2.
Variant type: single nucleotide variant.
Coding change: c.3964-41T>C on transcript NM_001267550.2 (MANE Select); 41 bases into the intron before coding-DNA position 3964, T replaced by C.
Molecular consequence: intron variant.
Genome position (GRCh38, 1-based): chr2:178,779,159, A>G on the plus strand (T>C on the coding strand, the complement: TTN is on the minus strand). VCF-style: chr2-178779159-A-G. GRCh37 (hg19) VCF-style: chr2-179643886-A-G.
Other names: c.3826-41T>C (NM_003319.4, NM_133437.4, NM_133432.3); c.3964-41T>C (NM_133378.4, NM_001256850.1, NM_133379.5).
Identifiers: ClinVar variation 1283537 (VCV001283537.3), dbSNP rs2291302, ClinGen allele CA2005432.